The following is an entry in ClinVar:

ClinVar aggregate classification (germline): Uncertain significance (1 of 4 stars; one submission).

Conditions:
Chuvash polycythemia. Also called: POLYCYTHEMIA, VHL-DEPENDENT. Identifiers: Orphanet 238557, MedGen C1837915, MONDO:0009892, OMIM 263400.
Von Hippel-Lindau syndrome (VHLS). Also called: Von Hippel-Lindau; von Hippel–Lindau syndrome; VHL syndrome. Identifiers: Orphanet 892, MedGen C0019562, MONDO:0008667, OMIM 193300. Disease mechanism: loss of function.

Submission:

Labcorp Genetics (formerly Invitae), Labcorp
Classification: Uncertain significance for Von Hippel-Lindau syndrome; Chuvash polycythemia. Last evaluated: 2020-07-09. Review status: criteria provided, single submitter. Criteria: Invitae Variant Classification Sherloc (09022015). Collection method: clinical testing. Allele origin: germline.
Comment: In summary, the available evidence is currently insufficient to determine the role of this variant in disease. Therefore, it has been classified as a Variant of Uncertain Significance. Experimental studies and prediction algorithms are not available or were not evaluated, and the functional significance of this variant is currently unknown. This variant has not been reported in the literature in individuals with VHL-related conditions. The frequency data for this variant in the population databases is considered unreliable, as metrics indicate insufficient coverage at this position in the ExAC database. This sequence change falls in intron 1 of the VHL gene. It is not expected to change the encoded amino acid sequence of the VHL protein. However, this sequence change falls within a cryptic exon in the VHL gene, known as exon E1’, which is naturally expressed at low levels in several human tissues (PMID: 29891534).

Literature cited by the submitters: PubMed 29891534.

NM_000551.4(VHL):c.340+753dup

Genes: VHL (von Hippel-Lindau tumor suppressor; plus strand), LOC107303340 (3p25 von Hippel-Lindau tumor suppressor, E3 ubiquitin protein ligase Alu-mediated recombination region; plus strand). Cytogenetic location: 3p25.3.
Variant type: Duplication.
Coding change: c.340+753dup on transcript NM_000551.4 (MANE Select); 753 bases into the intron after coding-DNA position 340, one base duplicated (G; older notation c.340+753dupG).
Molecular consequence: intron variant. On other transcripts: frameshift variant (1).
Genome position (GRCh38, 1-based): chr3:10,142,940, G duplicated; the last of 4 consecutive G bases (chr3:10,142,937-10,142,940); duplicating any one gives the same sequence. VCF-style (leftmost placement, unchanged base first): chr3-10142936-A-AG. GRCh37 (hg19) VCF-style: chr3-10184620-A-AG.
Other names: c.518dup, p.Cys174fs (NM_001354723.2); c.340+753dup (NM_198156.3); short protein forms C174fs.
Identifiers: ClinVar variation 1050874 (VCV001050874.9), dbSNP rs2125126061, ClinGen allele CA2499216368.